The following is an entry in ClinVar:

ClinVar aggregate classification (germline): Uncertain significance. Review status: criteria provided, multiple submitters, no conflicts (2 of 4 stars). 2 submissions from 2 submitters: Uncertain significance (2). Last evaluated 2024-12-20.

Conditions:
Inborn genetic diseases. Identifiers: MedGen C0950123, MeSH D030342.
Kabuki syndrome. Also called: NIIKAWA-KUROKI SYNDROME; Kabuki make-up syndrome. Identifiers: Orphanet 2322, MedGen C0796004, MONDO:0016512.

gnomAD v4.1: 12 of 1,613,970 alleles (0.00074%); highest among the groups gnomAD compares: Non-Finnish European, 0.00093%; no homozygotes.

Submissions (2):

Ambry Genetics
Classification: Uncertain significance for Inborn genetic diseases. Last evaluated: 2024-12-20. Review status: criteria provided, single submitter. Criteria: Ambry Variant Classification Scheme 2023. Collection method: clinical testing. Allele origin: germline.

Labcorp Genetics (formerly Invitae), Labcorp
Classification: Uncertain significance for Kabuki syndrome. Last evaluated: 2024-03-26. Review status: criteria provided, single submitter. Criteria: Invitae Variant Classification Sherloc (09022015). Collection method: clinical testing. Allele origin: germline.
Comment: This sequence change replaces proline, which is neutral and non-polar, with leucine, which is neutral and non-polar, at codon 34 of the KMT2D protein (p.Pro34Leu). This variant is not present in population databases (gnomAD no frequency). This variant has not been reported in the literature in individuals affected with KMT2D-related conditions. Advanced modeling of protein sequence and biophysical properties (such as structural, functional, and spatial information, amino acid conservation, physicochemical variation, residue mobility, and thermodynamic stability) performed at Invitae indicates that this missense variant is not expected to disrupt KMT2D protein function with a negative predictive value of 95%. In summary, the available evidence is currently insufficient to determine the role of this variant in disease. Therefore, it has been classified as a Variant of Uncertain Significance.

NM_003482.4(KMT2D):c.101C>T (p.Pro34Leu)

Gene: KMT2D (lysine methyltransferase 2D; minus strand). Cytogenetic location: 12q13.12.
Variant type: single nucleotide variant.
Coding change: c.101C>T on transcript NM_003482.4 (MANE Select); coding-DNA position 101, C replaced by T.
Protein change: p.Pro34Leu; replaces proline 34 with leucine.
Molecular consequence: missense variant.
Genome position (GRCh38, 1-based): chr12:49,054,975, G>A on the plus strand (C>T on the coding strand, the complement: KMT2D is on the minus strand). VCF-style: chr12-49054975-G-A. GRCh37 (hg19) VCF-style: chr12-49448758-G-A.
Other names: short protein forms P34L.
Identifiers: ClinVar variation 3713690 (VCV003713690.3).